The following is an entry in ClinVar:

NM_001004356.3(FGFRL1):c.1436A>C (p.His479Pro)

Gene: FGFRL1 (fibroblast growth factor receptor like 1; plus strand). Cytogenetic location: 4p16.3.
Variant type: single nucleotide variant.
Coding change: c.1436A>C on transcript NM_001004356.3 (MANE Select); coding-DNA position 1436, A replaced by C.
Protein change: p.His479Pro; replaces histidine 479 with proline.
Molecular consequence: missense variant.
Genome position (GRCh38, 1-based): chr4:1,025,268, A>C. VCF-style: chr4-1025268-A-C. GRCh37 (hg19) VCF-style: chr4-1019056-A-C.
Other names: c.1436A>C (NM_001004356.2); c.1436A>C, p.His479Pro (NM_001004358.1, NM_001370296.1, NM_021923.3); short protein forms H479P.
Identifiers: ClinVar variation 1378911 (VCV001378911.7), dbSNP rs749511854, ClinGen allele CA2803120.

ClinVar aggregate classification (germline): Uncertain significance. Review status: criteria provided, multiple submitters, no conflicts (2 of 4 stars). 2 submissions from 2 submitters: Uncertain significance (2). Last evaluated 2024-12-20.

Allele frequency attached by ClinVar (database versions not stated): TOPMed below 0.00001; gnomAD 0.00003; ExAC 0.00005; gnomAD exomes 0.00005 and 0.00006.
gnomAD v4.1: 25 of 596,398 alleles (0.0042%); highest among the groups gnomAD compares: Non-Finnish European, 0.0057%; no homozygotes.

Submissions (2):

Ambry Genetics
Classification: Uncertain significance. Last evaluated: 2024-12-20. Review status: criteria provided, single submitter. Criteria: Ambry Variant Classification Scheme 2023. Collection method: clinical testing. Allele origin: germline.

Labcorp Genetics (formerly Invitae), Labcorp
Classification: Uncertain significance. Last evaluated: 2024-11-05. Review status: criteria provided, single submitter. Criteria: Invitae Variant Classification Sherloc (09022015). Collection method: clinical testing. Allele origin: germline.
Comment: This sequence change replaces histidine, which is basic and polar, with proline, which is neutral and non-polar, at codon 479 of the FGFRL1 protein (p.His479Pro). The frequency data for this variant in the population databases is considered unreliable, as metrics indicate poor data quality at this position in the gnomAD database. This variant has not been reported in the literature in individuals affected with FGFRL1-related conditions. ClinVar contains an entry for this variant (Variation ID: 1378911). An algorithm developed to predict the effect of missense changes on protein structure and function (PolyPhen-2) suggests that this variant is likely to be disruptive. In summary, the available evidence is currently insufficient to determine the role of this variant in disease. Therefore, it has been classified as a Variant of Uncertain Significance.